The following is an entry in ClinVar:

ClinVar aggregate classification (germline): Uncertain significance (1 of 4 stars; one submission).

Conditions:
Simpson-Golabi-Behmel syndrome type 1 (SGBS1). Also called: BULLDOG SYNDROME; DYSPLASIA GIGANTISM SYNDROME, X-LINKED; GOLABI-ROSEN SYNDROME; GPC3-Related Simpson-Golabi-Behmel Syndrome Type 1; SIMPSON DYSMORPHIA SYNDROME. Identifiers: Orphanet 373, MedGen C0796154, MONDO:0020602, OMIM 312870.

Submission:

Baylor Genetics
Classification: Uncertain significance for Simpson-Golabi-Behmel syndrome type 1. Last evaluated: 2021-10-26. Review status: criteria provided, single submitter. Criteria: ACMG Guidelines, 2015. Collection method: clinical testing. Allele origin: unknown. Affected: yes. Study: CSER-TexasKidsCanSeq.
Comment: This variant was determined to be of uncertain significance according to ACMG Guidelines, 2015 [PMID:25741868].

NM_004484.4(GPC3):c.467T>A (p.Ile156Asn)

Gene: GPC3 (glypican 3; minus strand). Cytogenetic location: Xq26.2.
Variant type: single nucleotide variant.
Coding change: c.467T>A on transcript NM_004484.4 (MANE Select); coding-DNA position 467, T replaced by A.
Protein change: p.Ile156Asn; replaces isoleucine 156 with asparagine.
Molecular consequence: missense variant.
Genome position (GRCh38, 1-based): chrX:133,754,047, A>T on the plus strand (T>A on the coding strand, the complement: GPC3 is on the minus strand). VCF-style: chrX-133754047-A-T. GRCh37 (hg19) VCF-style: chrX-132888074-A-T.
Other names: c.467T>A, p.Ile156Asn (NM_001164617.2); c.419T>A, p.Ile140Asn (NM_001164618.2); c.305T>A, p.Ile102Asn (NM_001164619.2); short protein forms I102N, I140N, I156N.
Identifiers: ClinVar variation 1327076 (VCV001327076.1), dbSNP rs2124480768, ClinGen allele CA414706566.